The following is an entry in ClinVar:

NM_032242.4(PLXNA1):c.2331C>T (p.Asn777=)

Gene: PLXNA1 (plexin A1; plus strand). Cytogenetic location: 3q21.3.
Variant type: single nucleotide variant.
Coding change: c.2331C>T on transcript NM_032242.4 (MANE Select); coding-DNA position 2331, C replaced by T.
Protein change: p.Asn777=; no amino-acid change (asparagine 777 retained).
Molecular consequence: synonymous variant.
Genome position (GRCh38, 1-based): chr3:127,014,037, C>T. VCF-style: chr3-127014037-C-T. GRCh37 (hg19) VCF-style: chr3-126732880-C-T.
Identifiers: ClinVar variation 3036759 (VCV003036759.2), dbSNP rs769684578, ClinGen allele CA2593586.
Genomic context (GRCh38, chr3:127,014,037, plus strand): 5'-AGGCCGCTTAGCTGGGAAGCCTGACGGTGCCATCACCTAACAGTACTCCTACGAGGGGAA[C>T]GATGTCAGCGACCTGCCAGTGAACCTGTCAGTCGTGTGGAACGGCAACTTTGTCATTGAC-3'
Protein context (NP_115618.3, residues 767-787): CQNSSYSYEG[Asn777=]DVSDLPVNLS

ClinVar aggregate classification (germline): Likely benign (0 of 4 stars; one submission).

Conditions:
PLXNA1-related disorder. Also called: PLXNA1-related condition.

Allele frequency attached by ClinVar (database versions not stated): gnomAD exomes 0.00001; ExAC 0.00002; gnomAD 0.00003; TOPMed 0.00003.
gnomAD v4.1: 22 of 1,613,688 alleles (0.0014%); highest among the groups gnomAD compares: African/African-American, 0.0053%; no homozygotes.

Submission:

PreventionGenetics, part of Exact Sciences
Classification: Likely benign for PLXNA1-related condition. Last evaluated: 2022-03-11. Review status: no assertion criteria provided. Collection method: clinical testing. Allele origin: germline.
Comment: This variant is classified as likely benign based on ACMG/AMP sequence variant interpretation guidelines (Richards et al. 2015 PMID: 25741868, with internal and published modifications).